The following is an entry in ClinVar:

ClinVar aggregate classification (germline): Uncertain significance (1 of 4 stars; one submission).

Conditions:
Cardiovascular phenotype. Identifiers: MedGen CN230736.

Submission:

Ambry Genetics
Classification: Uncertain significance for Cardiovascular phenotype. Last evaluated: 2023-01-12. Review status: criteria provided, single submitter. Criteria: Ambry Variant Classification Scheme 2023. Collection method: clinical testing. Allele origin: germline.
Comment: The p.V1663D variant (also known as c.4988T>A), located in coding exon 32 of the MYH6 gene, results from a T to A substitution at nucleotide position 4988. The valine at codon 1663 is replaced by aspartic acid, an amino acid with highly dissimilar properties. This amino acid position is conserved. In addition, this alteration is predicted to be tolerated by in silico analysis. Since supporting evidence is limited at this time, the clinical significance of this alteration remains unclear.

NM_002471.4(MYH6):c.4988T>A (p.Val1663Asp)

Genes: MYH6 (myosin heavy chain 6; minus strand), LOC126861896 (BRD4-independent group 4 enhancer GRCh37_chr14:23854904-23856103; plus strand). Cytogenetic location: 14q11.2.
Variant type: single nucleotide variant.
Coding change: c.4988T>A on transcript NM_002471.4 (MANE Select); coding-DNA position 4988, T replaced by A.
Protein change: p.Val1663Asp; replaces valine 1663 with aspartic acid.
Molecular consequence: missense variant.
Genome position (GRCh38, 1-based): chr14:23,386,103, A>T on the plus strand (T>A on the coding strand, the complement: MYH6 is on the minus strand). VCF-style: chr14-23386103-A-T. GRCh37 (hg19) VCF-style: chr14-23855312-A-T.
Other names: short protein forms V1663D.
Identifiers: ClinVar variation 2452920 (VCV002452920.2), dbSNP rs2502141892, ClinGen allele CA388990457.